The following is an entry in ClinVar:

NM_001129820.2(SLFN14):c.2417T>C (p.Phe806Ser)

Gene: SLFN14 (schlafen family member 14; minus strand). Cytogenetic location: 17q12.
Variant type: single nucleotide variant.
Coding change: c.2417T>C on transcript NM_001129820.2 (MANE Select); coding-DNA position 2417, T replaced by C.
Protein change: p.Phe806Ser; replaces phenylalanine 806 with serine.
Molecular consequence: missense variant.
Genome position (GRCh38, 1-based): chr17:35,548,561, A>G on the plus strand (T>C on the coding strand, the complement: SLFN14 is on the minus strand). VCF-style: chr17-35548561-A-G. GRCh37 (hg19) VCF-style: chr17-33875580-A-G.
Other names: p.Phe806Ser; short protein forms F806S.
Identifiers: ClinVar variation 4542146 (VCV004542146.1).

ClinVar aggregate classification (germline): Uncertain significance (1 of 4 stars; one submission).

gnomAD v4.1: 26 of 1,551,620 alleles (0.0017%); highest among the groups gnomAD compares: Non-Finnish European, 0.00035%; 1 homozygote.

Submission:

Mayo Clinic Laboratories, Mayo Clinic
Classification: Uncertain significance. Last evaluated: 2025-04-09. Review status: criteria provided, single submitter. Criteria: ACMG Guidelines, 2015. Collection method: clinical testing. Allele origin: germline. Observed: 1 variant allele.
Comment: BP4_moderate